The following is an entry in ClinVar:

ClinVar aggregate classification (germline): Likely pathogenic (1 of 4 stars; one submission).

Conditions:
Osteogenesis imperfecta with normal sclerae, dominant form (OI4). Also called: OSTEOGENESIS IMPERFECTA, TYPE IV, WITH DENTINOGENESIS IMPERFECTA; OSTEOGENESIS IMPERFECTA WITH NORMAL SCLERAE; Osteogenesis imperfecta type 4; Osteogenesis Imperfecta Type IV; Common Variable Osteogenesis Imperfecta with Normal Sclerae. Identifiers: Orphanet 216820, Orphanet 666, MedGen C0268363, MONDO:0008148, OMIM 166220.

Submission:

Laboratory of Genetic Skeletal Anomaly, Seoul National University Children's Hospital
Classification: Likely pathogenic for Osteogenesis imperfecta with normal sclerae, dominant form. Last evaluated: 2025-03-01. Review status: criteria provided, single submitter. Criteria: ACMG Guidelines, 2015. Collection method: research. Allele origin: germline. Affected: yes.
Comment: This variant is a novel variant not previously reported in the literature or population databases. It was classified based on available in silico predictions and absence from gnomAD.

NM_021939.4(FKBP10):c.302G>A (p.Gly101Asp)

Gene: FKBP10 (FKBP prolyl isomerase 10; plus strand). Cytogenetic location: 17q21.2.
Variant type: single nucleotide variant.
Coding change: c.302G>A on transcript NM_021939.4 (MANE Select); coding-DNA position 302, G replaced by A.
Protein change: p.Gly101Asp; replaces glycine 101 with aspartic acid.
Molecular consequence: missense variant.
Genome position (GRCh38, 1-based): chr17:41,817,114, G>A. VCF-style: chr17-41817114-G-A. GRCh37 (hg19) VCF-style: chr17-39973366-G-A.
Other names: short protein forms G101D.
Identifiers: ClinVar variation 4280711 (VCV004280711.1).